The following is an entry in ClinVar:

ClinVar aggregate classification (germline): Uncertain significance (1 of 4 stars; one submission).

Conditions:
Congenital disorder of glycosylation, type Iaa. Also called: Congenital disorder of glycosylation, type 1aa. Identifiers: MedGen C4310727, MONDO:0014904, OMIM 617082.

Submission:

Labcorp Genetics (formerly Invitae), Labcorp
Classification: Uncertain significance for Congenital disorder of glycosylation, type Iaa. Last evaluated: 2024-04-17. Review status: criteria provided, single submitter. Criteria: Invitae Variant Classification Sherloc (09022015). Collection method: clinical testing. Allele origin: germline.
Comment: This sequence change replaces glutamine, which is neutral and polar, with lysine, which is basic and polar, at codon 215 of the NUS1 protein (p.Gln215Lys). This variant is not present in population databases (gnomAD no frequency). This variant has not been reported in the literature in individuals affected with NUS1-related conditions. An algorithm developed to predict the effect of missense changes on protein structure and function (PolyPhen-2) suggests that this variant is likely to be tolerated. In summary, the available evidence is currently insufficient to determine the role of this variant in disease. Therefore, it has been classified as a Variant of Uncertain Significance.

NM_138459.5(NUS1):c.643C>A (p.Gln215Lys)

Gene: NUS1 (NUS1 dehydrodolichyl diphosphate synthase subunit; plus strand). Cytogenetic location: 6q22.1.
Variant type: single nucleotide variant.
Coding change: c.643C>A on transcript NM_138459.5 (MANE Select); coding-DNA position 643, C replaced by A.
Protein change: p.Gln215Lys; replaces glutamine 215 with lysine.
Molecular consequence: missense variant.
Genome position (GRCh38, 1-based): chr6:117,694,132, C>A. VCF-style: chr6-117694132-C-A. GRCh37 (hg19) VCF-style: chr6-118015295-C-A.
Other names: short protein forms Q215K.
Identifiers: ClinVar variation 3604471 (VCV003604471.2).
Genomic context (GRCh38, chr6:117,694,132, plus strand): 5'-GATGGAAAAGCAGATATTGTAAGAGCTGCTCAGGACTTTTGCCAGTTAGTAGCCCAGAAG[C>A]AAAAGAGACCCACAGATTTGGATGTAGATACGTTAGCCAGTTTACTTAGTAAGTTTTTTT-3'
Protein context (NP_612468.1, residues 205-225): QDFCQLVAQK[Gln215Lys]KRPTDLDVDT